The following is an entry in ClinVar:

ClinVar aggregate classification (germline): Pathogenic (1 of 4 stars; one submission).

Conditions:
Generalized epilepsy with febrile seizures plus, type 9 (GEFSP9). Also called: GEFS+, TYPE 9. Identifiers: Orphanet 36387, MedGen C4015395, MONDO:0014517, OMIM 616172.

Submission:

Labcorp Genetics (formerly Invitae), Labcorp
Classification: Pathogenic for Generalized epilepsy with febrile seizures plus, type 9. Last evaluated: 2023-05-16. Review status: criteria provided, single submitter. Criteria: Invitae Variant Classification Sherloc (09022015). Collection method: clinical testing. Allele origin: germline.
Comment: For these reasons, this variant has been classified as Pathogenic. This variant has not been reported in the literature in individuals affected with STX1B-related conditions. This variant is not present in population databases (gnomAD no frequency). This sequence change creates a premature translational stop signal (p.Ser123Profs*7) in the STX1B gene. It is expected to result in an absent or disrupted protein product. Loss-of-function variants in STX1B are known to be pathogenic (PMID: 25362483).

Literature cited by the submitters: PubMed 25362483.

NM_052874.5(STX1B):c.366del (p.Ser123fs)

Gene: STX1B (syntaxin 1B; minus strand). Cytogenetic location: 16p11.2.
Variant type: Deletion.
Coding change: c.366del on transcript NM_052874.5 (MANE Select); coding-DNA position 366, one base deleted (G; older notation c.366delG).
Protein change: p.Ser123fs; shifts the reading frame from serine 123.
Molecular consequence: frameshift variant.
Genome position (GRCh38, 1-based): chr16:30,997,048, C deleted on the plus strand (G on the coding strand, the reverse complement: STX1B is on the minus strand). VCF-style (leftmost placement, unchanged base first): chr16-30997047-AC-A. GRCh37 (hg19) VCF-style: chr16-31008368-AC-A.
Other names: short protein forms S123fs.
Identifiers: ClinVar variation 2864828 (VCV002864828.3), dbSNP rs2543959987, ClinGen allele CA2739266726.